The following is an entry in ClinVar:

ClinVar aggregate classification (germline): Uncertain significance (1 of 4 stars; one submission).

Conditions:
Ataxia-telangiectasia syndrome (AT). Also called: Ataxia-telangiectasia, complementation group D; AT, COMPLEMENTATION GROUP C; Ataxia-telangiectasia; Ataxia telangiectasia (A-T); Cerebello-oculocutaneous telangiectasia; Immunodeficiency with ataxia telangiectasia. Identifiers: Orphanet 100, MedGen C0004135, MONDO:0008840, OMIM 208900.

Submission:

Labcorp Genetics (formerly Invitae), Labcorp
Classification: Uncertain significance for Ataxia-telangiectasia syndrome. Last evaluated: 2022-02-23. Review status: criteria provided, single submitter. Criteria: Invitae Variant Classification Sherloc (09022015). Collection method: clinical testing. Allele origin: germline.
Comment: This sequence change replaces lysine, which is basic and polar, with glutamic acid, which is acidic and polar, at codon 578 of the ATM protein (p.Lys578Glu). This variant is not present in population databases (gnomAD no frequency). This variant has not been reported in the literature in individuals affected with ATM-related conditions. Advanced modeling of protein sequence and biophysical properties (such as structural, functional, and spatial information, amino acid conservation, physicochemical variation, residue mobility, and thermodynamic stability) performed at Invitae indicates that this missense variant is not expected to disrupt ATM protein function. In summary, the available evidence is currently insufficient to determine the role of this variant in disease. Therefore, it has been classified as a Variant of Uncertain Significance.

NM_000051.4(ATM):c.1732A>G (p.Lys578Glu)

Gene: ATM (ATM serine/threonine kinase; plus strand). Cytogenetic location: 11q22.3.
Variant type: single nucleotide variant.
Coding change: c.1732A>G on transcript NM_000051.4 (MANE Select); coding-DNA position 1732, A replaced by G.
Protein change: p.Lys578Glu; replaces lysine 578 with glutamic acid.
Molecular consequence: missense variant.
Genome position (GRCh38, 1-based): chr11:108,251,961, A>G. VCF-style: chr11-108251961-A-G. GRCh37 (hg19) VCF-style: chr11-108122688-A-G.
Other names: c.1732A>G, p.Lys578Glu (NM_001351834.2); short protein forms K578E.
Identifiers: ClinVar variation 1935338 (VCV001935338.2), dbSNP rs1555071926, ClinGen allele CA382535307.